The following is an entry in ClinVar:

NM_001205293.3(CACNA1E):c.902C>G (p.Thr301Ser)

Gene: CACNA1E (calcium voltage-gated channel subunit alpha1 E; plus strand). Cytogenetic location: 1q25.3.
Variant type: single nucleotide variant.
Coding change: c.902C>G on transcript NM_001205293.3 (MANE Select); coding-DNA position 902, C replaced by G.
Protein change: p.Thr301Ser; replaces threonine 301 with serine.
Molecular consequence: missense variant.
Genome position (GRCh38, 1-based): chr1:181,580,727, C>G. VCF-style: chr1-181580727-C-G. GRCh37 (hg19) VCF-style: chr1-181549863-C-G.
Other names: c.902C>G, p.Thr301Ser (NM_000721.4, NM_001205294.2); c.902C>G (NM_001205293.1); short protein forms T301S.
Identifiers: ClinVar variation 1310478 (VCV001310478.3), dbSNP rs2102980905, ClinGen allele CA343847581.

ClinVar aggregate classification (germline): Uncertain significance. Review status: criteria provided, multiple submitters, no conflicts (2 of 4 stars). 2 submissions from 2 submitters: Uncertain significance (2). Last evaluated 2025-06-08.

Conditions:
Inborn genetic diseases. Identifiers: MedGen C0950123, MeSH D030342.

Submissions (2):

Ambry Genetics
Classification: Uncertain significance for Inborn genetic diseases. Last evaluated: 2025-06-08. Review status: criteria provided, single submitter. Criteria: Ambry Variant Classification Scheme 2023. Collection method: clinical testing. Allele origin: germline.

GeneDx
Classification: Uncertain significance. Last evaluated: 2019-12-05. Review status: criteria provided, single submitter. Criteria: GeneDx Variant Classification Process June 2021. Collection method: clinical testing. Allele origin: germline. Affected: yes.
Comment: Not observed in large population cohorts (Lek et al., 2016); In silico analysis, which includes protein predictors and evolutionary conservation, supports a deleterious effect; Has not been previously published as pathogenic or benign to our knowledge